The following is an entry in ClinVar:

NM_000059.4(BRCA2):c.7436-4A>G

Gene: BRCA2 (BRCA2 DNA repair associated; plus strand). Cytogenetic location: 13q13.1.
Variant type: single nucleotide variant.
Coding change: c.7436-4A>G on transcript NM_000059.4 (MANE Select); 4 bases into the intron before coding-DNA position 7436, A replaced by G.
Molecular consequence: intron variant.
Genome position (GRCh38, 1-based): chr13:32,356,424, A>G. VCF-style: chr13-32356424-A-G. GRCh37 (hg19) VCF-style: chr13-32930561-A-G.
Other names: IVS14-4A>G.
Identifiers: ClinVar variation 38097 (VCV000038097.43), dbSNP rs81002904, ClinGen allele CA025086.

ClinVar aggregate classification (germline): Conflicting classifications of pathogenicity. Review status: criteria provided, conflicting classifications (1 of 4 stars). 17 submissions from 17 submitters: Uncertain significance (1); Benign (1); Likely benign (10). 5 of the submissions do not count toward it. Last evaluated 2026-01-30.

Conditions:
Hereditary cancer-predisposing syndrome. Also called: Hereditary neoplastic syndrome; Neoplastic Syndromes, Hereditary; Tumor predisposition; Hereditary Cancer Syndrome. Identifiers: Orphanet 140162, MedGen C0027672, MeSH D009386, MONDO:0015356.
BRCA2-related disorder. Also called: BRCA2-related condition; BRCA2-related disorders. Identifiers: MedGen CN239275.
Breast and/or ovarian cancer. Identifiers: MedGen CN221562.
BRCA2-related cancer predisposition. Identifiers: MedGen CN377758, MONDO:0700269.
Hereditary breast ovarian cancer syndrome. Also called: Breast and ovarian cancer; Hereditary breast and ovarian cancer syndrome; Hereditary breast and/or ovarian cancer syndrome; BRCA1- and BRCA2-Associated Hereditary Breast and Ovarian Cancer; Hereditary breast and ovarian cancer; Hereditary breast and ovarian cancer syndrome (HBOC). Identifiers: Orphanet 145, MedGen C0677776, MeSH D061325, MONDO:0003582. Disease mechanism: loss of function.
Breast-ovarian cancer, familial, susceptibility to, 2 (BROVCA2). Also called: BRCA2 Hereditary Breast and Ovarian Cancer. Identifiers: Orphanet 145, MedGen C2675520, MONDO:0012933, OMIM 612555. Disease mechanism: loss of function.

Allele frequency attached by ClinVar (database versions not stated): gnomAD 0.00001; gnomAD exomes 0.00001 and 0.00002; TOPMed 0.00002.
gnomAD v4.1: 16 of 1,611,764 alleles (0.00099%); highest among the groups gnomAD compares: East Asian, 0.011%; no homozygotes.

Submissions (17):

Labcorp Genetics (formerly Invitae), Labcorp
Classification: Likely benign for Hereditary breast ovarian cancer syndrome. Last evaluated: 2026-01-30. Review status: criteria provided, single submitter. Criteria: Invitae Variant Classification Sherloc (09022015). Collection method: clinical testing. Allele origin: germline.

Women's Health and Genetics/Laboratory Corporation of America, LabCorp
Classification: Likely benign. Last evaluated: 2025-08-04. Review status: criteria provided, single submitter. Criteria: LabCorp Variant Classification Summary - May 2015. Collection method: clinical testing. Allele origin: germline.
Comment: Variant summary: BRCA2 c.7436-4A>G alters a nucleotide located at a position not widely known to affect splicing. Consensus agreement among computation tools predict no significant impact on normal splicing. However, these predictions have yet to be confirmed by functional studies. The variant allele was found at a frequency of 1.6e-05 in 251022 control chromosomes. The available data on variant occurrences in the general population are insufficient to allow any conclusion about variant significance. c.7436-4A>G has been reported in the literature in at least one individual screened for Hereditary Breast and Ovarian Cancer (Wangensteen_2019). The following publications have been ascertained in the context of this evaluation (PMID: 31191615, 31143303). ClinVar contains an entry for this variant (Variation ID: 38097). Based on the evidence outlined above, the variant was classified as likely benign.

ARUP Laboratories, Molecular Genetics and Genomics, ARUP Laboratories
Classification: Likely benign. Last evaluated: 2025-04-18. Review status: criteria provided, single submitter. Criteria: ARUP Molecular Germline Variant Investigation Process 2024. Collection method: clinical testing. Allele origin: germline.

Center for Genomic Medicine, Rigshospitalet, Copenhagen University Hospital
Classification: Likely benign. Last evaluated: 2025-03-04. Review status: criteria provided, single submitter. Criteria: ACMG Guidelines, 2015. Collection method: clinical testing. Allele origin: germline.

All of Us Research Program, National Institutes of Health
Classification: Likely benign for BRCA2-related cancer predisposition. Last evaluated: 2024-07-29. Review status: criteria provided, single submitter. Criteria: ACMG Guidelines, 2015. Collection method: clinical testing. Allele origin: germline. Inheritance: Autosomal dominant inheritance. Observed: 4 variant alleles, 4 heterozygotes.
Comment: This study involves interpretation of variants in research participants for the purpose of population health screening. Participant phenotype was not available at the time of variant classification. Additional details can be found in publication PMID: 35346344, PMCID: PMC8962531

Blueprint Genetics
Classification: Likely benign. Last evaluated: 2023-05-19. Review status: criteria provided, single submitter. Criteria: ACMG Guidelines, 2015. Collection method: clinical testing. Allele origin: germline.

Quest Diagnostics Nichols Institute San Juan Capistrano
Classification: Likely benign. Last evaluated: 2022-11-11. Review status: criteria provided, single submitter. Criteria: Quest Diagnostics criteria. Collection method: clinical testing. Allele origin: unknown.

GeneDx
Classification: Likely benign. Last evaluated: 2021-05-19. Review status: criteria provided, single submitter. Criteria: GeneDx Variant Classification Process June 2021. Collection method: clinical testing. Allele origin: germline. Affected: yes.
Comment: This variant is associated with the following publications: (PMID: 31191615, 31143303)

Sema4
Classification: Likely benign for Hereditary cancer-predisposing syndrome. Last evaluated: 2020-12-07. Review status: criteria provided, single submitter. Criteria: Sema4 Curation Guidelines. Collection method: curation. Allele origin: germline.

CHEO Genetics Diagnostic Laboratory, Children's Hospital of Eastern Ontario
Classification: Uncertain significance for Breast and/or ovarian cancer. Last evaluated: 2017-07-12. Review status: criteria provided, single submitter. Criteria: ACMG Guidelines, 2015. Collection method: clinical testing. Allele origin: germline. Study: Canadian Open Genetics Repository.

Color Diagnostics, LLC DBA Color Health
Classification: Likely benign for Hereditary cancer-predisposing syndrome. Last evaluated: 2015-12-28. Review status: criteria provided, single submitter. Criteria: ACMG Guidelines, 2015. Collection method: clinical testing. Allele origin: germline.

Ambry Genetics
Classification: Benign for Hereditary cancer-predisposing syndrome. Last evaluated: 2015-04-30. Review status: criteria provided, single submitter. Criteria: Ambry Variant Classification Scheme 2023. Collection method: clinical testing. Allele origin: germline.

Institute for Biomarker Research, Medical Diagnostic Laboratories, L.L.C.
Classification: Likely benign for Hereditary breast ovarian cancer syndrome. Last evaluated: 2021-11-09. Review status: no assertion criteria provided. Collection method: clinical testing. Allele origin: germline. Not counted in ClinVar's aggregate classification.

PreventionGenetics, part of Exact Sciences
Classification: Likely benign for BRCA2-related condition. Last evaluated: 2020-09-21. Review status: no assertion criteria provided. Collection method: clinical testing. Allele origin: germline. Not counted in ClinVar's aggregate classification.
Comment: This variant is classified as likely benign based on ACMG/AMP sequence variant interpretation guidelines (Richards et al. 2015 PMID: 25741868, with internal and published modifications).

Sharing Clinical Reports Project (SCRP)
Classification: Uncertain significance for Breast-ovarian cancer, familial 2. Last evaluated: 2012-03-13. Review status: no assertion criteria provided. Collection method: clinical testing. Allele origin: germline. Not counted in ClinVar's aggregate classification.

Breast Cancer Information Core (BIC) (BRCA2)
Classification: Uncertain significance for Breast-ovarian cancer, familial 2. Last evaluated: 2003-12-23. Review status: no assertion criteria provided. Collection method: clinical testing. Allele origin: germline. Affected: yes. Observed: 2 variant alleles. Not counted in ClinVar's aggregate classification.

Department of Pathology and Laboratory Medicine, Sinai Health System
Classification: Uncertain significance. Review status: no assertion criteria provided. Collection method: clinical testing. Allele origin: unknown. Affected: yes. Observed: 2 variant alleles. Study: The Canadian Open Genetics Repository (COGR). Not counted in ClinVar's aggregate classification.
Comment: This variant is located in the 3' splice region but does not affect the invariant -1 and -2 positions. However, positions -3 and -5 to -12 are part of the splicing consensus sequence and variants involving these positions sometimes affect splicing. Computational or in-silico analyses do not demonstrate altered splicing in 4 of the splice prediction programs (SpliceSiteFinder-like, MaxEntScan, NNSPLICE, HumanSpliceFinder), increasing the possibility that this may be a benign variant. However, this information is not predictive enough to rule out pathogenicity. In summary, based on the above information the clinical significance of this variant cannot be determined with certainty at this time. Therefore this variant is a variant of unknown significance.

Literature cited by the submitters: PubMed 31191615 (cited by 3 submitters); PubMed 31143303 (cited by 3 submitters).